The following is an entry in ClinVar:

ClinVar aggregate classification (germline): Pathogenic/Likely pathogenic. Review status: criteria provided, multiple submitters, no conflicts (2 of 4 stars). 7 submissions from 7 submitters: Pathogenic (2); Likely pathogenic (5). Last evaluated 2026-06-10.

Conditions:
Renal tubulopathies.
SLC12A3-related disorder. Also called: SLC12A3-related condition.
Familial hypokalemia-hypomagnesemia (GTLMNS). Also called: HYPOMAGNESEMIA-HYPOKALEMIA, PRIMARY RENOTUBULAR, WITH HYPOCALCIURIA; POTASSIUM AND MAGNESIUM DEPLETION; gitelman syndrome. Identifiers: Orphanet 358, MedGen C0268450, MONDO:0009904, OMIM 263800.

Allele frequency attached by ClinVar (database versions not stated): ExAC 0.00001; gnomAD 0.00001; TOPMed 0.00001.

Submissions (7):

Genetics Laboratory, Great Ormond Street Hospital NHS Foundation Trust, North Thames Genomic Laboratory Hub
Classification: Likely pathogenic for Renal tubulopathies. Last evaluated: 2026-06-10. Review status: criteria provided, single submitter. Criteria: ACGS Best Practice Guidelines for Variant Classification in Rare Disease 2024 v1.2. Collection method: clinical testing. Allele origin: germline. Affected: yes.
Comment: PM2_moderate, PM5_moderate, PM3_strong, PP4_supporting

PreventionGenetics, part of Exact Sciences
Classification: Likely pathogenic for SLC12A3-related condition. Last evaluated: 2026-06-02. Review status: criteria provided, single submitter. Criteria: ACMG Guidelines, 2015. Collection method: clinical testing. Allele origin: germline.
Comment: The SLC12A3 c.1000C>T variant is predicted to result in the amino acid substitution p.Arg334Trp. This variant has been reported with a second SLC12A3 variant in multiple individuals with Gitelman syndrome (Cruz et al 2001. PubMed ID: 11168953; Table S3, Rao et al 2019. PubMed ID: 31328266; Supplemental Table, Hureaux et al 2019. PubMed ID: 31672324). In addition, alternate missense substitutions affecting the same amino acid position (p.Arg334Pro and p.Arg334Gln) have been reported in individuals with Gitelman syndrome (Supplemental Table 1; Vargas-Poussou et al 2011. PubMed ID: 21415153; Song et al. 2023. PubMed ID: 37360783). This variant is reported in 0.0040% of alleles in individuals of African descent in gnomAD. The c.1000C>T (p.Arg334Trp) variant is interpreted as likely pathogenic.

Labcorp Genetics (formerly Invitae), Labcorp
Classification: Pathogenic. Last evaluated: 2024-12-29. Review status: criteria provided, single submitter. Criteria: Invitae Variant Classification Sherloc (09022015). Collection method: clinical testing. Allele origin: germline.
Comment: This sequence change replaces arginine, which is basic and polar, with tryptophan, which is neutral and slightly polar, at codon 334 of the SLC12A3 protein (p.Arg334Trp). The frequency data for this variant in the population databases is considered unreliable, as metrics indicate poor data quality at this position in the gnomAD database. This missense change has been observed in individuals with Gitelman syndrome (PMID: 11168953, 21415153; internal data). ClinVar contains an entry for this variant (Variation ID: 2059379). Invitae Evidence Modeling of protein sequence and biophysical properties (such as structural, functional, and spatial information, amino acid conservation, physicochemical variation, residue mobility, and thermodynamic stability) indicates that this missense variant is expected to disrupt SLC12A3 protein function with a positive predictive value of 95%. This variant disrupts the p.Arg334 amino acid residue in SLC12A3. Other variant(s) that disrupt this residue have been observed in individuals with SLC12A3-related conditions (PMID: 21415153, 32221616), which suggests that this may be a clinically significant amino acid residue. For these reasons, this variant has been classified as Pathogenic.

Natera, Inc.
Classification: Pathogenic for Gitelman syndrome. Last evaluated: 2024-09-08. Review status: criteria provided, single submitter. Criteria: Natera Variant Classification Schema (03/2026). Collection method: clinical testing. Allele origin: germline.
Comment: The c.1000C>T variant in SLC12A3 is a missense variant predicted to cause substitution of arginine to tryptophan at amino acid 334. This variant is rare in the general population with a frequency below the threshold expected for the associated phenotype(s). This variant has been observed in one or more individuals affected with the associated recessive disease, as either homozygous or compound heterozygous with a second variant (PMID: 31672324, 32542819, 31328266). A different variant at the same position has been determined to be Pathogenic or Likely Pathogenic. Computational prediction algorithms indicate this variant is likely to affect gene or protein function. Given the available evidence, this variant is classified as Pathogenic.

Fulgent Genetics
Classification: Likely pathogenic for Familial hypokalemia-hypomagnesemia. Last evaluated: 2024-05-08. Review status: criteria provided, single submitter. Criteria: ACMG Guidelines, 2015. Collection method: clinical testing. Allele origin: germline.

Blueprint Genetics
Classification: Likely pathogenic for SLC12A3-related disorders. Last evaluated: 2018-10-03. Review status: criteria provided, single submitter. Criteria: ACMG Guidelines, 2015. Collection method: clinical testing. Allele origin: germline. Affected: yes. Observed: 2 variant alleles.

Juno Genomics, Hangzhou Juno Genomics, Inc
Classification: Likely pathogenic for Familial hypokalemia-hypomagnesemia. Review status: criteria provided, single submitter. Criteria: ACMG Guidelines, 2015. Collection method: clinical testing. Allele origin: germline.
Comment: Absent from controls (or at extremely low frequency if recessive) in Genome Aggregation Database.;For recessive disorders, detected in trans with a pathogenic variant.;Patient's phenotype or family history is highly specific for a disease with a single genetic etiology.

Literature cited by the submitters: PubMed 11168953 (cited by Labcorp Genetics (formerly Invitae), Labcorp); PubMed 21415153 (cited by Labcorp Genetics (formerly Invitae), Labcorp); PubMed 32221616 (cited by Labcorp Genetics (formerly Invitae), Labcorp); PubMed 31672324 (cited by Natera, Inc.); PubMed 32542819 (cited by Natera, Inc.); PubMed 31328266 (cited by Natera, Inc.).

NM_001126108.2(SLC12A3):c.1000C>T (p.Arg334Trp)

Gene: SLC12A3 (solute carrier family 12 member 3; plus strand). Cytogenetic location: 16q13.
Variant type: single nucleotide variant.
Coding change: c.1000C>T on transcript NM_001126108.2 (MANE Select); coding-DNA position 1000, C replaced by T.
Protein change: p.Arg334Trp; replaces arginine 334 with tryptophan.
Molecular consequence: missense variant.
Genome position (GRCh38, 1-based): chr16:56,872,691, C>T. VCF-style: chr16-56872691-C-T. GRCh37 (hg19) VCF-style: chr16-56906603-C-T.
Other names: c.1000C>T (NM_000339.2); c.1000C>T, p.Arg334Trp (NM_000339.3); c.997C>T, p.Arg333Trp (NM_001126107.2, NM_001410896.1); short protein forms R334W, R333W.
Identifiers: ClinVar variation 2059379 (VCV002059379.12), dbSNP rs770702194, ClinGen allele CA8069295.